The following is an entry in ClinVar:

NM_032193.4(RNASEH2C):c.251T>C (p.Met84Thr)

Gene: RNASEH2C (ribonuclease H2 subunit C; minus strand). Cytogenetic location: 11q13.1.
Variant type: single nucleotide variant.
Coding change: c.251T>C on transcript NM_032193.4 (MANE Select); coding-DNA position 251, T replaced by C.
Protein change: p.Met84Thr; replaces methionine 84 with threonine.
Molecular consequence: missense variant.
Genome position (GRCh38, 1-based): chr11:65,720,339, A>G on the plus strand (T>C on the coding strand, the complement: RNASEH2C is on the minus strand). VCF-style: chr11-65720339-A-G. GRCh37 (hg19) VCF-style: chr11-65487810-A-G.
Other names: short protein forms M84T.
Identifiers: ClinVar variation 2141051 (VCV002141051.2), dbSNP rs1857351983, ClinGen allele CA381298911.

ClinVar aggregate classification (germline): Uncertain significance (1 of 4 stars; one submission).

Conditions:
Aicardi-Goutieres syndrome 3. Identifiers: Orphanet 51, MedGen C1835916, MONDO:0012471, OMIM 610329.

Allele frequency attached by ClinVar (database versions not stated): gnomAD exomes below 0.00001; gnomAD 0.00001.
gnomAD v4.1: 5 of 1,614,026 alleles (0.00031%); highest among the groups gnomAD compares: Non-Finnish European, 0.00042%; no homozygotes.

Submission:

Labcorp Genetics (formerly Invitae), Labcorp
Classification: Uncertain significance for Aicardi-Goutieres syndrome 3. Last evaluated: 2022-06-05. Review status: criteria provided, single submitter. Criteria: Invitae Variant Classification Sherloc (09022015). Collection method: clinical testing. Allele origin: germline.
Comment: In summary, the available evidence is currently insufficient to determine the role of this variant in disease. Therefore, it has been classified as a Variant of Uncertain Significance. Algorithms developed to predict the effect of missense changes on protein structure and function output the following: SIFT: "Deleterious"; PolyPhen-2: "Possibly Damaging"; Align-GVGD: "Class C45". The threonine amino acid residue is found in multiple mammalian species, which suggests that this missense change does not adversely affect protein function. This variant has not been reported in the literature in individuals affected with RNASEH2C-related conditions. This variant is not present in population databases (gnomAD no frequency). This sequence change replaces methionine, which is neutral and non-polar, with threonine, which is neutral and polar, at codon 84 of the RNASEH2C protein (p.Met84Thr).